The following is an entry in ClinVar:

ClinVar aggregate classification (germline): Conflicting classifications of pathogenicity. Review status: criteria provided, conflicting classifications (1 of 4 stars). 2 submissions from 2 submitters: Likely pathogenic (1); Uncertain significance (1). Last evaluated 2025-06-16.

Conditions:
Long QT syndrome 2 (LQT2). Identifiers: Orphanet 101016, Orphanet 768, MedGen C3150943, MONDO:0013367, OMIM 613688.

Submissions (2):

Victorian Clinical Genetics Services, Murdoch Childrens Research Institute
Classification: Likely pathogenic for Long QT syndrome 2. Last evaluated: 2025-06-16. Review status: criteria provided, single submitter. Criteria: ACMG Guidelines, 2015. Collection method: clinical testing. Allele origin: germline. Affected: yes.
Comment: This variant is classified as Likely pathogenic. Evidence in support of pathogenic classification: Variant is absent from gnomAD (v2, v3 and v4); This variant has strong functional evidence supporting abnormal protein function. Patch clamp studies have shown that this variant has a strong dominant negative effect with a Z-score of -4.93 (Cardiac Electrophysiology Lab, Victor Chang Cardiac Research Institute, NSW, Australia, PMID: 35688147); Missense variant predicted to be damaging by in silico tool(s) or highly conserved with a major amino acid change. Additional information: Variant is predicted to result in a missense amino acid change from asparagine to tyrosine; This variant is heterozygous; This gene is associated with autosomal dominant disease; Alternative amino acid change(s) at the same position are present in gnomAD (Highest alelle count: v4: 1 heterozygote(s), 0 homozygote(s)) ; This variant has no previous evidence of pathogenicity; No published segregation evidence has been identified for this variant; No published functional evidence has been identified for this variant; Another missense variant comparable to the one identified in this case has inconclusive previous evidence for pathogenicity. p.(Asn339Lys) has been classified once as a VUS by a clinical diagnostic laboratory (ClinVar), and p.(Asn339Ser) has been observed in two epilepsy patients and described as a VUS (PMID: 31696929); Variant is not located in an established domain, motif, hotspot or informative constraint region; Dominant negative and loss of function are known mechanisms of disease in this gene and are associated with long QT syndrome 2 (MIM#613688). Gain of function is also a known mechanism associated with short QT syndrome 1 (MIM#609620) (OMIM, PMID: 10753933; PMID: 21777565); The condition associated with this gene has incomplete penetrance (PMID: 20301308); Inheritance information for this variant is not currently available in this individual.

Blueprint Genetics
Classification: Uncertain significance. Last evaluated: 2023-09-25. Review status: criteria provided, single submitter. Criteria: ACMG Guidelines, 2015. Collection method: clinical testing. Allele origin: germline.

Literature cited by the submitters: PubMed 21777565 (cited by Victorian Clinical Genetics Services, Murdoch Childrens Research Institute); PubMed 31696929 (cited by Victorian Clinical Genetics Services, Murdoch Childrens Research Institute); PubMed 10753933 (cited by Victorian Clinical Genetics Services, Murdoch Childrens Research Institute); PubMed 35688147 (cited by Victorian Clinical Genetics Services, Murdoch Childrens Research Institute); PubMed 20301308 (cited by Victorian Clinical Genetics Services, Murdoch Childrens Research Institute).

NM_000238.4(KCNH2):c.1015A>T (p.Asn339Tyr)

Gene: KCNH2 (potassium voltage-gated channel subfamily H member 2; minus strand). Cytogenetic location: 7q36.1.
Variant type: single nucleotide variant.
Coding change: c.1015A>T on transcript NM_000238.4 (MANE Select); coding-DNA position 1015, A replaced by T.
Protein change: p.Asn339Tyr; replaces asparagine 339 with tyrosine.
Molecular consequence: missense variant.
Genome position (GRCh38, 1-based): chr7:150,957,404, T>A on the plus strand (A>T on the coding strand, the complement: KCNH2 is on the minus strand). VCF-style: chr7-150957404-T-A. GRCh37 (hg19) VCF-style: chr7-150654492-T-A.
Other names: c.727A>T, p.Asn243Tyr (NM_001406753.1, NM_001406756.1); c.838A>T, p.Asn280Tyr (NM_001406755.1); c.715A>T, p.Asn239Tyr (NM_001406757.1); c.1015A>T, p.Asn339Tyr (NM_172056.3); short protein forms N239Y, N243Y, N280Y, N339Y.
Identifiers: ClinVar variation 1805233 (VCV001805233.4), dbSNP rs2486081957, ClinGen allele CA369861649.